The following is an entry in ClinVar:

ClinVar aggregate classification (germline): Uncertain significance (1 of 4 stars; one submission).

Conditions:
Bethlem myopathy 1A. Also called: MYOPATHY, BENIGN CONGENITAL, WITH CONTRACTURES; Bethlem myopathy 1; Bethlem Muscular Dystrophy. Identifiers: Orphanet 610, MedGen CN029274, MONDO:0024530, OMIM 158810.

gnomAD v4.1: 9 of 1,613,406 alleles (0.00056%); highest among the groups gnomAD compares: South Asian, 0.0099%; no homozygotes.

Submission:

Labcorp Genetics (formerly Invitae), Labcorp
Classification: Uncertain significance for Bethlem myopathy 1A. Last evaluated: 2024-10-28. Review status: criteria provided, single submitter. Criteria: Invitae Variant Classification Sherloc (09022015). Collection method: clinical testing. Allele origin: germline.
Comment: This sequence change replaces glycine, which is neutral and non-polar, with arginine, which is basic and polar, at codon 590 of the COL6A1 protein (p.Gly590Arg). The frequency data for this variant in the population databases is considered unreliable, as metrics indicate poor data quality at this position in the gnomAD database. This variant has not been reported in the literature in individuals affected with COL6A1-related conditions. Invitae Evidence Modeling of protein sequence and biophysical properties (such as structural, functional, and spatial information, amino acid conservation, physicochemical variation, residue mobility, and thermodynamic stability) indicates that this missense variant is expected to disrupt COL6A1 protein function with a positive predictive value of 95%. In summary, the available evidence is currently insufficient to determine the role of this variant in disease. Therefore, it has been classified as a Variant of Uncertain Significance.

NM_001848.3(COL6A1):c.1768G>A (p.Gly590Arg)

Gene: COL6A1 (collagen type VI alpha 1 chain; plus strand). Cytogenetic location: 21q22.3.
Variant type: single nucleotide variant.
Coding change: c.1768G>A on transcript NM_001848.3 (MANE Select); coding-DNA position 1768, G replaced by A.
Protein change: p.Gly590Arg; replaces glycine 590 with arginine.
Molecular consequence: missense variant.
Genome position (GRCh38, 1-based): chr21:45,999,684, G>A. VCF-style: chr21-45999684-G-A. GRCh37 (hg19) VCF-style: chr21-47419598-G-A.
Other names: short protein forms G590R.
Identifiers: ClinVar variation 3693662 (VCV003693662.2).
Genomic context (GRCh38, chr21:45,999,684, plus strand): 5'-CCTCAGAGCTCCTCTACTCCGTTTCTCGGACAGGGACCCCCAGGACACCAAGGACCGCCT[G>A]GGCCGGACGTAAGTGGGGCTCTGTGAACATTGCTGGGGGCGACCACTGTAGCTTCCATCC-3'
Protein context (NP_001839.2, residues 580-600): QGPPGHQGPP[Gly590Arg]PDECEILDII